The following is an entry in ClinVar:

ClinVar aggregate classification (germline): Benign/Likely benign. Review status: criteria provided, multiple submitters, no conflicts (2 of 4 stars). 4 submissions from 4 submitters: Benign (2); Likely benign (2). Last evaluated 2026-01-01.

Allele frequency attached by ClinVar (database versions not stated): ESP Exome Variant Server 0.00008; 1000 Genomes Project 30x 0.00031; 1000 Genomes Project 0.00040.
gnomAD v4.1: 260 of 1,613,840 alleles (0.016%); highest among the groups gnomAD compares: Middle Eastern, 0.12%; no homozygotes.

Submissions (4):

CeGaT Center for Human Genetics Tuebingen
Classification: Likely benign. Last evaluated: 2026-01-01. Review status: criteria provided, single submitter. Criteria: CeGaT Center For Human Genetics Tuebingen Variant Classification Criteria Version 2. Collection method: clinical testing. Allele origin: germline. Affected: yes. Observed: 2 variant alleles.
Comment: CACNA1C: BP4, BP7

Blueprint Genetics
Classification: Likely benign. Last evaluated: 2024-08-26. Review status: criteria provided, single submitter. Criteria: ACMG Guidelines, 2015. Collection method: clinical testing. Allele origin: germline.

GeneDx
Classification: Benign. Last evaluated: 2015-03-03. Review status: criteria provided, single submitter. Criteria: GeneDx Variant Classification Process June 2021. Collection method: clinical testing. Allele origin: germline. Affected: yes.

Breakthrough Genomics
Classification: Benign. Review status: criteria provided, single submitter. Criteria: ACMG Guidelines, 2015. Collection method: not provided. Allele origin: germline. Inheritance: Autosomal dominant inheritance. Affected: yes.

NM_000719.7(CACNA1C):c.3946-46C>G

Gene: CACNA1C (calcium voltage-gated channel subunit alpha1 C; plus strand). Cytogenetic location: 12p13.33.
Variant type: single nucleotide variant.
Coding change: c.3946-46C>G on transcript NM_000719.7 (MANE Select); 46 bases into the intron before coding-DNA position 3946, C replaced by G.
Molecular consequence: intron variant. On other transcripts: synonymous variant (1).
Genome position (GRCh38, 1-based): chr12:2,651,594, C>G. VCF-style: chr12-2651594-C-G. GRCh37 (hg19) VCF-style: chr12-2760760-C-G.
Other names: c.3966C>G, p.Pro1322= (NM_001129829.2); c.3946-46C>G (NM_001167624.3, NM_001167623.2, NM_001129840.2 and 7 more transcripts); c.3913-46C>G (NM_001167625.2, NM_001129837.2, NM_001129838.2 and 1 more transcripts); c.4090-46C>G (NM_199460.4, NM_001129827.2); c.4006-46C>G (NM_001129832.2); c.4030-46C>G (NM_001129831.2); c.3907-46C>G (NM_001129839.2); c.3997-46C>G (NM_001129836.2); and 1 more.
Identifiers: ClinVar variation 1292344 (VCV001292344.17), dbSNP rs112919597, ClinGen allele CA6389421.